The following is an entry in ClinVar:

NM_000245.4(MET):c.3071T>C (p.Val1024Ala)

Gene: MET (MET proto-oncogene, receptor tyrosine kinase; plus strand). Cytogenetic location: 7q31.2.
Variant type: single nucleotide variant.
Coding change: c.3071T>C on transcript NM_000245.4 (MANE Select); coding-DNA position 3071, T replaced by C.
Protein change: p.Val1024Ala; replaces valine 1024 with alanine.
Molecular consequence: missense variant.
Genome position (GRCh38, 1-based): chr7:116,774,923, T>C. VCF-style: chr7-116774923-T-C. GRCh37 (hg19) VCF-style: chr7-116414977-T-C.
Other names: c.3125T>C, p.Val1042Ala (NM_001127500.3); c.1781T>C, p.Val594Ala (NM_001324402.2); short protein forms V594A, V1042A, V1024A.
Identifiers: ClinVar variation 1410813 (VCV001410813.11), dbSNP rs2117030004, ClinGen allele CA368987936.
Genomic context (GRCh38, chr7:116,774,923, plus strand): 5'-TTTTCCTTCATCTTACAGATCAGTTTCCTAATTCATCTCAGAACGGTTCATGCCGACAAG[T>C]GCAGTATCCTCTGACAGACATGTCCCCCATCCTAACTAGTGGGGACTCTGATATATCCAG-3'
Protein context (NP_000236.2, residues 1014-1034): NSSQNGSCRQ[Val1024Ala]QYPLTDMSPI

ClinVar aggregate classification (germline): Uncertain significance. Review status: criteria provided, multiple submitters, no conflicts (2 of 4 stars). 2 submissions from 2 submitters: Uncertain significance (2). Last evaluated 2024-12-02.

Conditions:
Hereditary cancer-predisposing syndrome. Also called: Hereditary Cancer Syndrome; Tumor predisposition; Hereditary neoplastic syndrome; Neoplastic Syndromes, Hereditary. Identifiers: Orphanet 140162, MedGen C0027672, MeSH D009386, MONDO:0015356.
Renal cell carcinoma. Identifiers: Orphanet 217071, MedGen C0007134, MeSH D002292, MONDO:0005086, HP:0005584.

Allele frequency attached by ClinVar (database versions not stated): gnomAD exomes below 0.00001.
gnomAD v4.1: 3 of 1,614,176 alleles (0.00019%); highest among the groups gnomAD compares: Non-Finnish European, 0.00025%; no homozygotes.

Submissions (2):

Ambry Genetics
Classification: Uncertain significance for Hereditary cancer-predisposing syndrome. Last evaluated: 2024-12-02. Review status: criteria provided, single submitter. Criteria: Ambry Variant Classification Scheme 2023. Collection method: clinical testing. Allele origin: germline.
Comment: The p.V1042A variant (also known as c.3125T>C), located in coding exon 14 of the MET gene, results from a T to C substitution at nucleotide position 3125. The valine at codon 1042 is replaced by alanine, an amino acid with similar properties. This amino acid position is conserved. In addition, this alteration is predicted to be tolerated by in silico analysis. Since supporting evidence is limited at this time, the clinical significance of this alteration remains unclear.

Labcorp Genetics (formerly Invitae), Labcorp
Classification: Uncertain significance for Renal cell carcinoma. Last evaluated: 2020-11-02. Review status: criteria provided, single submitter. Criteria: Invitae Variant Classification Sherloc (09022015). Collection method: clinical testing. Allele origin: germline.
Comment: In summary, the available evidence is currently insufficient to determine the role of this variant in disease. Therefore, it has been classified as a Variant of Uncertain Significance. Algorithms developed to predict the effect of missense changes on protein structure and function output the following: SIFT: "Tolerated"; PolyPhen-2: "Benign"; Align-GVGD: "Class C0". The alanine amino acid residue is found in multiple mammalian species, suggesting that this missense change does not adversely affect protein function. These predictions have not been confirmed by published functional studies and their clinical significance is uncertain. This variant has not been reported in the literature in individuals with MET-related conditions. This variant is not present in population databases (ExAC no frequency). This sequence change replaces valine with alanine at codon 1042 of the MET protein (p.Val1042Ala). The valine residue is weakly conserved and there is a small physicochemical difference between valine and alanine.